The following is an entry in ClinVar:

ClinVar aggregate classification (germline): Likely pathogenic (1 of 4 stars; one submission).

Conditions:
Neurodevelopmental disorder with hypotonia.

Submission:

Dubai Health Genomic Medicine Center, Dubai Health
Classification: Likely pathogenic for Neurodevelopmental disorder with hypotonia. Last evaluated: 2024-10-04. Review status: criteria provided, single submitter. Criteria: ACMG Guidelines, 2015. Collection method: research. Allele origin: germline. Affected: yes.
Comment: PS2,PM2

NM_001348768.2(HECW2):c.4048G>T (p.Asp1350Tyr)

Gene: HECW2 (HECT, C2 and WW domain containing E3 ubiquitin protein ligase 2; minus strand). Cytogenetic location: 2q32.3.
Variant type: single nucleotide variant.
Coding change: c.4048G>T on transcript NM_001348768.2 (MANE Select); coding-DNA position 4048, G replaced by T.
Protein change: p.Asp1350Tyr; replaces aspartic acid 1350 with tyrosine.
Molecular consequence: missense variant.
Genome position (GRCh38, 1-based): chr2:196,222,309, C>A on the plus strand (G>T on the coding strand, the complement: HECW2 is on the minus strand). VCF-style: chr2-196222309-C-A. GRCh37 (hg19) VCF-style: chr2-197087033-C-A.
Other names: c.2980G>T, p.Asp994Tyr (NM_001304840.3); c.4048G>T, p.Asp1350Tyr (NM_020760.4); short protein forms D1350Y, D994Y.
Identifiers: ClinVar variation 3384051 (VCV003384051.1).